The following is an entry in ClinVar:

ClinVar aggregate classification (germline): Uncertain significance (1 of 4 stars; one submission).

Conditions:
Cutis laxa, X-linked (OHS). Also called: EDS IX; Occipital horn syndrome. Identifiers: Orphanet 198, MedGen C0268353, MONDO:0010572, OMIM 304150.
X-linked distal spinal muscular atrophy type 3. Also called: ATP7A-Related Distal Motor Neuropathy; SPINAL MUSCULAR ATROPHY, DISTAL, X-LINKED RECESSIVE; NEURONOPATHY, DISTAL HEREDITARY MOTOR, X-LINKED; NEUROPATHY, DISTAL HEREDITARY MOTOR, X-LINKED. Identifiers: Orphanet 139557, MedGen C1845359, MONDO:0010338, OMIM 300489.
Menkes kinky-hair syndrome (MNK). Also called: Classic Menkes Disease; Copper transport disease; Menkes Disease. Identifiers: Orphanet 565, MedGen C0022716, MONDO:0010651, OMIM 309400.

Allele frequency attached by ClinVar (database versions not stated): gnomAD exomes below 0.00001 and 0.00001; ExAC 0.00001.
gnomAD v4.1: 1 of 1,210,864 alleles (0.000083%); highest among the groups gnomAD compares: Non-Finnish European, 0.00011%; no homozygotes.

Submission:

Labcorp Genetics (formerly Invitae), Labcorp
Classification: Uncertain significance for X-linked distal spinal muscular atrophy type 3; Cutis laxa, X-linked; Menkes kinky-hair syndrome. Last evaluated: 2021-08-15. Review status: criteria provided, single submitter. Criteria: Invitae Variant Classification Sherloc (09022015). Collection method: clinical testing. Allele origin: germline.
Comment: In summary, the available evidence is currently insufficient to determine the role of this variant in disease. Therefore, it has been classified as a Variant of Uncertain Significance. Advanced modeling of protein sequence and biophysical properties (such as structural, functional, and spatial information, amino acid conservation, physicochemical variation, residue mobility, and thermodynamic stability) performed at Invitae indicates that this missense variant is not expected to disrupt ATP7A protein function. This variant has not been reported in the literature in individuals with ATP7A-related conditions. This variant is present in population databases (rs782486797, ExAC 0.002%). This sequence change replaces lysine with arginine at codon 1143 of the ATP7A protein (p.Lys1143Arg). The lysine residue is moderately conserved and there is a small physicochemical difference between lysine and arginine.

NM_000052.7(ATP7A):c.3428A>G (p.Lys1143Arg)

Gene: ATP7A (ATPase copper transporting alpha; plus strand). Cytogenetic location: Xq21.1.
Variant type: single nucleotide variant.
Coding change: c.3428A>G on transcript NM_000052.7 (MANE Select); coding-DNA position 3428, A replaced by G.
Protein change: p.Lys1143Arg; replaces lysine 1143 with arginine.
Molecular consequence: missense variant. On other transcripts: non-coding transcript variant (1).
Genome position (GRCh38, 1-based): chrX:78,033,738, A>G. VCF-style: chrX-78033738-A-G. GRCh37 (hg19) VCF-style: chrX-77289236-A-G.
Other names: c.3194A>G, p.Lys1065Arg (NM_001282224.2); short protein forms K1143R, K1065R.
Identifiers: ClinVar variation 1501862 (VCV001501862.8), dbSNP rs782486797, ClinGen allele CA10459414.